The following is an entry in ClinVar:

ClinVar aggregate classification (germline): Uncertain significance (1 of 4 stars; one submission).

Submission:

GeneDx
Classification: Uncertain significance. Last evaluated: 2026-02-10. Review status: criteria provided, single submitter. Criteria: GeneDx Variant Classification Process June 2021. Collection method: clinical testing. Allele origin: germline.
Comment: Not observed at significant frequency in large population cohorts (gnomAD); In silico analysis supports that this missense variant has a deleterious effect on protein structure/function; Has not been previously published as pathogenic or benign to our knowledge

NM_000180.4(GUCY2D):c.1907T>G (p.Ile636Arg)

Gene: GUCY2D (guanylate cyclase 2D, retinal; plus strand). Cytogenetic location: 17p13.1.
Variant type: single nucleotide variant.
Coding change: c.1907T>G on transcript NM_000180.4 (MANE Select); coding-DNA position 1907, T replaced by G.
Protein change: p.Ile636Arg; replaces isoleucine 636 with arginine.
Molecular consequence: missense variant.
Genome position (GRCh38, 1-based): chr17:8,012,301, T>G. VCF-style: chr17-8012301-T-G. GRCh37 (hg19) VCF-style: chr17-7915619-T-G.
Other names: short protein forms I636R.
Identifiers: ClinVar variation 4976188 (VCV004976188.1).